The following is an entry in ClinVar:

NM_177550.5(SLC13A5):c.1411T>G (p.Leu471Val)

Gene: SLC13A5 (solute carrier family 13 member 5; minus strand). Cytogenetic location: 17p13.1.
Variant type: single nucleotide variant.
Coding change: c.1411T>G on transcript NM_177550.5 (MANE Select); coding-DNA position 1411, T replaced by G.
Protein change: p.Leu471Val; replaces leucine 471 with valine.
Molecular consequence: missense variant.
Genome position (GRCh38, 1-based): chr17:6,690,805, A>C on the plus strand (T>G on the coding strand, the complement: SLC13A5 is on the minus strand). VCF-style: chr17-6690805-A-C. GRCh37 (hg19) VCF-style: chr17-6594124-A-C.
Other names: c.1411T>G, p.Leu471Val (NM_001143838.3); c.1360T>G, p.Leu454Val (NM_001284509.2); c.1282T>G, p.Leu428Val (NM_001284510.2); short protein forms L471V, L428V, L454V.
Identifiers: ClinVar variation 1463742 (VCV001463742.8), dbSNP rs1209800037, ClinGen allele CA397739504.

ClinVar aggregate classification (germline): Uncertain significance (1 of 4 stars; one submission).

Conditions:
Developmental and epileptic encephalopathy, 25 (DEE25). Also called: Epileptic encephalopathy, early infantile, 25; Developmental and epileptic encephalopathy 25, with amelogenesis imperfecta; Epileptic encephalopathy, early infantile, 25, with amelogenesis imperfecta. Identifiers: Orphanet 442835, MedGen C4014621, MONDO:0014392, OMIM 615905.

Submission:

Labcorp Genetics (formerly Invitae), Labcorp
Classification: Uncertain significance for Developmental and epileptic encephalopathy, 25. Last evaluated: 2020-11-24. Review status: criteria provided, single submitter. Criteria: Invitae Variant Classification Sherloc (09022015). Collection method: clinical testing. Allele origin: germline.
Comment: This sequence change replaces leucine with valine at codon 471 of the SLC13A5 protein (p.Leu471Val). The leucine residue is highly conserved and there is a small physicochemical difference between leucine and valine. This variant is not present in population databases (ExAC no frequency). This variant has not been reported in the literature in individuals with SLC13A5-related conditions. Algorithms developed to predict the effect of missense changes on protein structure and function are either unavailable or do not agree on the potential impact of this missense change (SIFT: "Deleterious"; PolyPhen-2: "Possibly Damaging"; Align-GVGD: "Class C15"). In summary, the available evidence is currently insufficient to determine the role of this variant in disease. Therefore, it has been classified as a Variant of Uncertain Significance.